The following is an entry in ClinVar:

ClinVar aggregate classification (germline): Uncertain significance. Review status: criteria provided, multiple submitters, no conflicts (2 of 4 stars). 2 submissions from 2 submitters: Uncertain significance (2). Last evaluated 2025-08-02.

Conditions:
Cardiomyopathy (CMYO). Also called: Cardiomyopathies. Identifiers: Orphanet 167848, MedGen C0878544, MONDO:0004994, HP:0001638. Inheritance: Various modes of inheritance.

Allele frequency attached by ClinVar (database versions not stated): gnomAD exomes 0.00002; TOPMed 0.00003; gnomAD 0.00004; ExAC 0.00002.
gnomAD v4.1: 29 of 1,613,216 alleles (0.0018%); highest among the groups gnomAD compares: Middle Eastern, 0.016%; no homozygotes.

Submissions (2):

Mayo Clinic Laboratories, Mayo Clinic
Classification: Uncertain significance. Last evaluated: 2025-08-02. Review status: criteria provided, single submitter. Criteria: ACMG Guidelines, 2015. Collection method: clinical testing. Allele origin: germline. Observed: 1 variant allele.
Comment: BP4_moderate

CHEO Genetics Diagnostic Laboratory, Children's Hospital of Eastern Ontario
Classification: Uncertain significance for Cardiomyopathy. Last evaluated: 2019-06-14. Review status: criteria provided, single submitter. Criteria: ACMG Guidelines, 2015. Collection method: clinical testing. Allele origin: germline.

NM_001267550.2(TTN):c.62859A>T (p.Lys20953Asn)

Genes: TTN (titin; minus strand), TTN-AS1 (TTN antisense RNA 1; plus strand). Cytogenetic location: 2q31.2.
Variant type: single nucleotide variant.
Coding change: c.62859A>T on transcript NM_001267550.2 (MANE Select); coding-DNA position 62859, A replaced by T.
Protein change: p.Lys20953Asn; replaces lysine 20953 with asparagine.
Molecular consequence: missense variant.
Genome position (GRCh38, 1-based): chr2:178,588,866, T>A on the plus strand (A>T on the coding strand, the complement: TTN is on the minus strand). VCF-style: chr2-178588866-T-A. GRCh37 (hg19) VCF-style: chr2-179453593-T-A.
Other names: p.Lys18385Asn; c.35664A>T, p.Lys11888Asn (NM_003319.4); c.55155A>T, p.Lys18385Asn (NM_133378.4); c.36039A>T, p.Lys12013Asn (NM_133432.3); c.36240A>T, p.Lys12080Asn (NM_133437.4); c.57936A>T, p.Lys19312Asn (NM_001256850.1); short protein forms K11888N, K12013N, K12080N, K18385N, K19312N, K20953N.
Identifiers: ClinVar variation 1329172 (VCV001329172.3), dbSNP rs765002114, ClinGen allele CA1992170.